The following is an entry in ClinVar:

ClinVar aggregate classification (germline): Pathogenic. Review status: criteria provided, single submitter (1 of 4 stars). 2 submissions from 2 submitters: Pathogenic (1). 1 of the submissions does not count toward it. Last evaluated 2021-12-16.

Conditions:
Leukodystrophy, hypomyelinating, 2. Also called: PELIZAEUS-MERZBACHER-LIKE DISEASE, 1. Identifiers: Orphanet 280270, Orphanet 280282, MedGen C1837355, MONDO:0012125, OMIM 608804.

Allele frequency attached by ClinVar (database versions not stated): gnomAD exomes below 0.00001 and 0.00001.

Submissions (2):

Centre of Medical Genetics, University Hospital Muenster
Classification: Pathogenic. Last evaluated: 2021-12-16. Review status: criteria provided, single submitter. Criteria: ACMG Guidelines, 2015. Collection method: clinical testing. Allele origin: unknown. Affected: yes. Observed: 1 variant allele, 1 homozygote.
Comment: ACMG categories: PS3,PM1,PM2,PP3,PP5

OMIM
Classification: Pathogenic for LEUKODYSTROPHY, HYPOMYELINATING, 2. Last evaluated: 2007-04-01. Review status: no assertion criteria provided. Collection method: literature only. Allele origin: germline. Not counted in ClinVar's aggregate classification.

Literature cited by the submitters: PubMed 15192806 (cited by OMIM); PubMed 17344063 (cited by OMIM).

NM_020435.4(GJC2):c.857T>C (p.Met286Thr)

Gene: GJC2 (gap junction protein gamma 2; plus strand). Cytogenetic location: 1q42.13.
Variant type: single nucleotide variant.
Coding change: c.857T>C on transcript NM_020435.4 (MANE Select); coding-DNA position 857, T replaced by C.
Protein change: p.Met286Thr; replaces methionine 286 with threonine.
Molecular consequence: missense variant.
Genome position (GRCh38, 1-based): chr1:228,158,615, T>C. VCF-style: chr1-228158615-T-C. GRCh37 (hg19) VCF-style: chr1-228346316-T-C.
Other names: short protein forms M286T.
Identifiers: ClinVar variation 2071 (VCV000002071.3), dbSNP rs74315311, ClinGen allele CA115331.